The following is an entry in ClinVar:

ClinVar aggregate classification (germline): Pathogenic (1 of 4 stars; one submission).

Conditions:
Malignant hyperthermia, susceptibility to, 5 (MHS5). Also called: CACNA1S-Related Malignant Hyperthermia Susceptibility. Identifiers: Orphanet 423, MedGen C1866077, MONDO:0011163, OMIM 601887.
Hypokalemic periodic paralysis, type 1. Also called: Hypokalemic Periodic Paralysis Type 1 (AD); HypoPP. Identifiers: Orphanet 681, MedGen C3714580, MONDO:0042979, OMIM 170400.

Submission:

Labcorp Genetics (formerly Invitae), Labcorp
Classification: Pathogenic for Hypokalemic periodic paralysis, type 1; Malignant hyperthermia, susceptibility to, 5. Last evaluated: 2023-05-27. Review status: criteria provided, single submitter. Criteria: Invitae Variant Classification Sherloc (09022015). Collection method: clinical testing. Allele origin: germline.
Comment: This variant is not present in population databases (gnomAD no frequency). For these reasons, this variant has been classified as Pathogenic. This variant has not been reported in the literature in individuals affected with CACNA1S-related conditions. This sequence change creates a premature translational stop signal (p.Gly1395Alafs*29) in the CACNA1S gene. It is expected to result in an absent or disrupted protein product. Loss-of-function variants in CACNA1S are known to be pathogenic (PMID: 26247046, 28012042).

Literature cited by the submitters: PubMed 26247046; PubMed 28012042.

NM_000069.3(CACNA1S):c.4184del (p.Gly1395fs)

Gene: CACNA1S (calcium voltage-gated channel subunit alpha1 S; minus strand). Cytogenetic location: 1q32.1.
Variant type: Deletion.
Coding change: c.4184del on transcript NM_000069.3 (MANE Select); coding-DNA position 4184, one base deleted (G; older notation c.4184delG).
Protein change: p.Gly1395fs; shifts the reading frame from glycine 1395.
Molecular consequence: frameshift variant.
Genome position (GRCh38, 1-based): chr1:201,050,446, C deleted on the plus strand (G on the coding strand, the reverse complement: CACNA1S is on the minus strand); the first of 3 consecutive C bases (chr1:201,050,446-201,050,448); deleting any one gives the same sequence. VCF-style (leftmost placement, unchanged base first): chr1-201050445-GC-G. GRCh37 (hg19) VCF-style: chr1-201019573-GC-G.
Other names: short protein forms G1395fs.
Identifiers: ClinVar variation 2924306 (VCV002924306.3), dbSNP rs2464443860, ClinGen allele CA2740090287.